The following is an entry in ClinVar:

ClinVar aggregate classification (germline): Conflicting classifications of pathogenicity. Review status: criteria provided, conflicting classifications (1 of 4 stars). 2 submissions from 1 submitter: Uncertain significance (1); Benign (1). Last evaluated 2017-04-27.

Conditions:
Retinitis pigmentosa (RP). Identifiers: Orphanet 791, MedGen C0035334, MeSH D012174, MONDO:0019200, OMIM 268000. Inheritance: Autosomal dominant, autosomal recessive and X linked inheritance.
Leber congenital amaurosis 3 (LCA3). Also called: SPATA7-Related Retinitis Pigmentosa. Identifiers: MedGen C1858677, MONDO:0011415, OMIM 604232.

Allele frequency attached by ClinVar (database versions not stated): 1000 Genomes Project 30x 0.00671; 1000 Genomes Project 0.00679; gnomAD exomes 0.00074; gnomAD 0.00488 and 0.00515; TOPMed 0.00580.

Submissions (2):

Illumina Laboratory Services, Illumina
Classification: Benign for Leber congenital amaurosis 3. Last evaluated: 2017-04-27. Review status: criteria provided, single submitter. Criteria: ICSL Variant Classification Criteria 13 December 2019. Collection method: clinical testing. Allele origin: germline.
Comment: This variant was observed as part of a predisposition screen in an ostensibly healthy population. A literature search was performed for the gene, cDNA change, and amino acid change (where applicable). No publications were found based on this search. Allele frequency data from public databases was too high to be consistent with this variant causing disease. Therefore, this variant is classified as benign.

Illumina Laboratory Services, Illumina
Classification: Uncertain significance for Retinitis pigmentosa. Last evaluated: 2017-04-27. Review status: criteria provided, single submitter. Criteria: ICSL Variant Classification Criteria 13 December 2019. Collection method: clinical testing. Allele origin: germline.

NM_018418.5(SPATA7):c.-95C>T

Genes: SPATA7 (spermatogenesis associated 7; plus strand), LOC130056226 (ATAC-STARR-seq lymphoblastoid active region 8840; plus strand). Cytogenetic location: 14q31.3.
Variant type: single nucleotide variant.
Coding change: c.-95C>T on transcript NM_018418.5 (MANE Select); 95 bases upstream of the start codon, C replaced by T.
Molecular consequence: 5 prime UTR variant.
Genome position (GRCh38, 1-based): chr14:88,385,724, C>T. VCF-style: chr14-88385724-C-T. GRCh37 (hg19) VCF-style: chr14-88852068-C-T.
Other names: c.-95C>T (NM_001040428.4).
Identifiers: ClinVar variation 884672 (VCV000884672.4), dbSNP rs114796215, ClinGen allele CA264502513.